The following is an entry in ClinVar:

NM_001040108.2(MLH3):c.4129A>G (p.Ser1377Gly)

Gene: MLH3 (mutL homolog 3; minus strand). Cytogenetic location: 14q24.3.
Variant type: single nucleotide variant.
Coding change: c.4129A>G on transcript NM_001040108.2 (MANE Select); coding-DNA position 4129, A replaced by G.
Protein change: p.Ser1377Gly; replaces serine 1377 with glycine.
Molecular consequence: missense variant.
Genome position (GRCh38, 1-based): chr14:75,018,942, T>C on the plus strand (A>G on the coding strand, the complement: MLH3 is on the minus strand). VCF-style: chr14-75018942-T-C. GRCh37 (hg19) VCF-style: chr14-75485645-T-C.
Other names: c.4057A>G, p.Ser1353Gly (NM_014381.3); short protein forms S1353G, S1377G.
Identifiers: ClinVar variation 3873457 (VCV003873457.1).

ClinVar aggregate classification (germline): Uncertain significance (1 of 4 stars; one submission).

gnomAD v4.1: 4 of 1,614,086 alleles (0.00025%); highest among the groups gnomAD compares: African/African-American, 0.0053%; no homozygotes.

Submission:

Ambry Genetics
Classification: Uncertain significance. Last evaluated: 2025-01-10. Review status: criteria provided, single submitter. Criteria: Ambry Variant Classification Scheme 2023. Collection method: clinical testing. Allele origin: germline.
Comment: The p.S1377G variant (also known as c.4129A>G), located in coding exon 11 of the MLH3 gene, results from an A to G substitution at nucleotide position 4129. The serine at codon 1377 is replaced by glycine, an amino acid with similar properties. This amino acid position is conserved. In addition, the in silico prediction for this alteration is inconclusive. Based on the available evidence, the clinical significance of this variant remains unclear.